The following is an entry in ClinVar:

NM_000064.4(C3):c.1723C>T (p.Pro575Ser)

Gene: C3 (complement C3; minus strand). Cytogenetic location: 19p13.3.
Variant type: single nucleotide variant.
Coding change: c.1723C>T on transcript NM_000064.4 (MANE Select); coding-DNA position 1723, C replaced by T.
Protein change: p.Pro575Ser; replaces proline 575 with serine.
Molecular consequence: missense variant.
Genome position (GRCh38, 1-based): chr19:6,709,806, G>A on the plus strand (C>T on the coding strand, the complement: C3 is on the minus strand). VCF-style: chr19-6709806-G-A. GRCh37 (hg19) VCF-style: chr19-6709817-G-A.
Other names: short protein forms P575S.
Identifiers: ClinVar variation 2837180 (VCV002837180.4), dbSNP rs751347655, ClinGen allele CA9129345.
Genomic context (GRCh38, chr19:6,709,806, plus strand): 5'-GTACCACCCGGGCCCCGTGGTCACCCTCTATCTTCAGGGTCATCTGCTGCCCAGGTACAG[G>A]CTGCCGGTCTTCTGACTGGCCGCTTTTTACCACCAGCTGTGGGGAGGGTGGAGACGCCGA-3'
Protein context (NP_000055.2, residues 565-585): VKSGQSEDRQ[Pro575Ser]VPGQQMTLKI

ClinVar aggregate classification (germline): Uncertain significance. Review status: criteria provided, multiple submitters, no conflicts (2 of 4 stars). 2 submissions from 2 submitters: Uncertain significance (2). Last evaluated 2024-04-29.

Conditions:
Complement component 3 deficiency. Identifiers: Orphanet 280133, MedGen C3151071, MONDO:0013417, OMIM 613779.
Age related macular degeneration 9. Identifiers: MedGen C1969651, MONDO:0012659, OMIM 611378.
Atypical hemolytic-uremic syndrome with C3 anomaly. Also called: AHUS, SUSCEPTIBILITY TO, 5. Identifiers: Orphanet 2134, MedGen C2752037, MONDO:0013043, OMIM 612925.

Allele frequency attached by ClinVar (database versions not stated): gnomAD exomes below 0.00001; ExAC 0.00001.

Submissions (2):

Fulgent Genetics
Classification: Uncertain significance for Age related macular degeneration 9; Atypical hemolytic-uremic syndrome with C3 anomaly; Complement component 3 deficiency. Last evaluated: 2024-04-29. Review status: criteria provided, single submitter. Criteria: ACMG Guidelines, 2015. Collection method: clinical testing. Allele origin: germline.

Labcorp Genetics (formerly Invitae), Labcorp
Classification: Uncertain significance. Last evaluated: 2023-11-12. Review status: criteria provided, single submitter. Criteria: Invitae Variant Classification Sherloc (09022015). Collection method: clinical testing. Allele origin: germline.
Comment: This sequence change replaces proline, which is neutral and non-polar, with serine, which is neutral and polar, at codon 575 of the C3 protein (p.Pro575Ser). This variant is present in population databases (rs751347655, gnomAD 0.006%). This variant has not been reported in the literature in individuals affected with C3-related conditions. Advanced modeling of protein sequence and biophysical properties (such as structural, functional, and spatial information, amino acid conservation, physicochemical variation, residue mobility, and thermodynamic stability) performed at Invitae indicates that this missense variant is not expected to disrupt C3 protein function with a negative predictive value of 80%. In summary, the available evidence is currently insufficient to determine the role of this variant in disease. Therefore, it has been classified as a Variant of Uncertain Significance.